The following is an entry in ClinVar:

NM_001005242.3(PKP2):c.654_679dup (p.Ser227fs)

Gene: PKP2 (plakophilin 2; minus strand). Cytogenetic location: 12p11.21.
Variant type: Duplication.
Coding change: c.654_679dup on transcript NM_001005242.3 (MANE Select); coding-DNA positions 654 to 679, 26 bases duplicated (CAGACAGTACCAGCATGGCTCTGTTA).
Protein change: p.Ser227fs; shifts the reading frame from serine 227.
Molecular consequence: frameshift variant.
Genome position (GRCh38, 1-based): chr12:32,878,201-32,878,226, TAACAGAGCCATGCTGGTACTGTCTG duplicated on the plus strand (CAGACAGTACCAGCATGGCTCTGTTA on the coding strand, the reverse complement: PKP2 is on the minus strand); duplicating any 26 consecutive bases within chr12:32,878,201-32,878,227 gives the same sequence; the c. name uses the placement nearest the transcript's 3' end. VCF-style (leftmost placement, unchanged base first): chr12-32878200-C-CTAACAGAGCCATGCTGGTACTGTCTG. GRCh37 (hg19) VCF-style: chr12-33031134-C-CTAACAGAGCCATGCTGGTACTGTCTG.
Other names: c.654_679dup, p.Ser227fs (NM_001407155.1, NM_001407156.1, NM_001407157.1 and 2 more transcripts); c.327_352dup, p.Ser118fs (NM_001407158.1, NM_001407159.1, NM_001407160.1 and 1 more transcripts); short protein forms S227fs, S118fs.
Identifiers: ClinVar variation 2840900 (VCV002840900.3), dbSNP rs2541340434, ClinGen allele CA2739271916.

ClinVar aggregate classification (germline): Pathogenic (1 of 4 stars; one submission).

Conditions:
Arrhythmogenic right ventricular dysplasia 9 (ARVD9). Also called: Arrhythmogenic Right Ventricular Dysplasia/Cardiomyopathy 9; ARRHYTHMOGENIC RIGHT VENTRICULAR DYSPLASIA, FAMILIAL, 9. Identifiers: MedGen C1836906, MONDO:0012180, OMIM 609040.

Submission:

Labcorp Genetics (formerly Invitae), Labcorp
Classification: Pathogenic for Arrhythmogenic right ventricular dysplasia 9. Last evaluated: 2025-10-14. Review status: criteria provided, single submitter. Criteria: Invitae Variant Classification Sherloc (09022015). Collection method: clinical testing. Allele origin: germline.
Comment: This sequence change creates a premature translational stop signal (p.Ser227Thrfs*45) in the PKP2 gene. It is expected to result in an absent or disrupted protein product. Loss-of-function variants in PKP2 are known to be pathogenic (PMID: 15489853, 17041889, 23911551). This variant is not present in population databases (gnomAD no frequency). This variant has not been reported in the literature in individuals affected with PKP2-related conditions. ClinVar contains an entry for this variant (Variation ID: 2840900). For these reasons, this variant has been classified as Pathogenic.

Literature cited by the submitters: PubMed 15489853; PubMed 17041889; PubMed 23911551.